The following is an entry in ClinVar:

NM_024570.4(RNASEH2B):c.241T>G (p.Ser81Ala)

Gene: RNASEH2B (ribonuclease H2 subunit B; plus strand). Cytogenetic location: 13q14.3.
Variant type: single nucleotide variant.
Coding change: c.241T>G on transcript NM_024570.4 (MANE Select); coding-DNA position 241, T replaced by G.
Protein change: p.Ser81Ala; replaces serine 81 with alanine.
Molecular consequence: missense variant.
Genome position (GRCh38, 1-based): chr13:50,929,579, T>G. VCF-style: chr13-50929579-T-G. GRCh37 (hg19) VCF-style: chr13-51503715-T-G.
Other names: c.241T>G, p.Ser81Ala (NM_001142279.2); c.241T>G (NM_024570.3); short protein forms S81A.
Identifiers: ClinVar variation 1431688 (VCV001431688.6), dbSNP rs1328842720, ClinGen allele CA388258904.

ClinVar aggregate classification (germline): Uncertain significance. Review status: criteria provided, multiple submitters, no conflicts (2 of 4 stars). 2 submissions from 2 submitters: Uncertain significance (2). Last evaluated 2022-06-27.

Conditions:
Aicardi-Goutieres syndrome 2. Identifiers: Orphanet 51, MedGen C3489724, MONDO:0012429, OMIM 610181.
Inborn genetic diseases. Identifiers: MedGen C0950123, MeSH D030342.

Allele frequency attached by ClinVar (database versions not stated): TOPMed below 0.00001.

Submissions (2):

Labcorp Genetics (formerly Invitae), Labcorp
Classification: Uncertain significance for Aicardi-Goutieres syndrome 2. Last evaluated: 2022-06-27. Review status: criteria provided, single submitter. Criteria: Invitae Variant Classification Sherloc (09022015). Collection method: clinical testing. Allele origin: germline.
Comment: This sequence change replaces serine, which is neutral and polar, with alanine, which is neutral and non-polar, at codon 81 of the RNASEH2B protein (p.Ser81Ala). This variant is not present in population databases (gnomAD no frequency). This variant has not been reported in the literature in individuals affected with RNASEH2B-related conditions. Algorithms developed to predict the effect of missense changes on protein structure and function are either unavailable or do not agree on the potential impact of this missense change (SIFT: "Tolerated"; PolyPhen-2: "Possibly Damaging"; Align-GVGD: "Class C0"). In summary, the available evidence is currently insufficient to determine the role of this variant in disease. Therefore, it has been classified as a Variant of Uncertain Significance.

Ambry Genetics
Classification: Uncertain significance for Inborn genetic diseases. Last evaluated: 2022-03-23. Review status: criteria provided, single submitter. Criteria: Ambry Variant Classification Scheme 2023. Collection method: clinical testing. Allele origin: germline.